The following is an entry in ClinVar:

ClinVar aggregate classification (germline): Pathogenic (1 of 4 stars; one submission).

Submission:

Labcorp Genetics (formerly Invitae), Labcorp
Classification: Pathogenic. Last evaluated: 2024-02-27. Review status: criteria provided, single submitter. Criteria: Invitae Variant Classification Sherloc (09022015). Collection method: clinical testing. Allele origin: germline.
Comment: This sequence change creates a premature translational stop signal (p.Glu223Lysfs*21) in the IMPG1 gene. It is expected to result in an absent or disrupted protein product. Loss-of-function variants in IMPG1 are known to be pathogenic (PMID: 23993198). This variant is not present in population databases (gnomAD no frequency). This variant has not been reported in the literature in individuals affected with IMPG1-related conditions. Algorithms developed to predict the effect of sequence changes on RNA splicing suggest that this variant may disrupt the consensus splice site. For these reasons, this variant has been classified as Pathogenic.

Literature cited by the submitters: PubMed 23993198.

NM_001563.4(IMPG1):c.666del (p.Glu223fs)

Gene: IMPG1 (interphotoreceptor matrix proteoglycan 1; minus strand). Cytogenetic location: 6q14.1.
Variant type: Deletion.
Coding change: c.666del on transcript NM_001563.4 (MANE Select); coding-DNA position 666, one base deleted (A; older notation c.666delA).
Protein change: p.Glu223fs; shifts the reading frame from glutamic acid 223.
Molecular consequence: frameshift variant.
Genome position (GRCh38, 1-based): chr6:76,022,116, T deleted on the plus strand (A on the coding strand, the reverse complement: IMPG1 is on the minus strand). VCF-style (leftmost placement, unchanged base first): chr6-76022115-CT-C. GRCh37 (hg19) VCF-style: chr6-76731832-CT-C.
Other names: c.432del, p.Glu145fs (NM_001282368.2); short protein forms E145fs, E223fs.
Identifiers: ClinVar variation 3643484 (VCV003643484.2).